The following is an entry in ClinVar:

ClinVar aggregate classification (germline): Likely pathogenic (1 of 4 stars; one submission).

Conditions:
Autosomal recessive Alport syndrome (ATS2). Also called: COL4A4 Alport Syndrome and Thin Basement Membrane Nephropathy; ALPORT SYNDROME 2, AUTOSOMAL RECESSIVE; Alport syndrome type 2; COL4A3-Related Nephropathy. Identifiers: Orphanet 63, Orphanet 88919, MedGen C4746745, MONDO:0008762, OMIM 203780.

Submission:

MVZ Medizinische Genetik Mainz
Classification: Likely pathogenic for Autosomal recessive Alport syndrome. Last evaluated: 2024-03-19. Review status: criteria provided, single submitter. Criteria: UK Practice Guidelines For Variant Classification V4 01 2020. Collection method: clinical testing. Allele origin: germline. Inheritance: Autosomal dominant inheritance. Affected: yes. Observed: 1 variant allele.
Comment: ACMG Criteria: PM1_STR,PM2_SUP,PP3,PP4

NM_000092.5(COL4A4):c.4192G>A (p.Gly1398Arg)

Gene: COL4A4 (collagen type IV alpha 4 chain; minus strand). Cytogenetic location: 2q36.3.
Variant type: single nucleotide variant.
Coding change: c.4192G>A on transcript NM_000092.5 (MANE Select); coding-DNA position 4192, G replaced by A.
Protein change: p.Gly1398Arg; replaces glycine 1398 with arginine.
Molecular consequence: missense variant.
Genome position (GRCh38, 1-based): chr2:227,022,072, C>T on the plus strand (G>A on the coding strand, the complement: COL4A4 is on the minus strand). VCF-style: chr2-227022072-C-T. GRCh37 (hg19) VCF-style: chr2-227886788-C-T.
Other names: short protein forms G1398R.
Identifiers: ClinVar variation 3236754 (VCV003236754.1), dbSNP rs2473005339.
Genomic context (GRCh38, chr2:227,022,072, plus strand): 5'-CATGAAAATAATGAACAATCAGCATGCGGCTCATACCTGGTCCTGAGGGGCCTCTCATTC[C>T]AGGGAGCCCCATGGCTCCTTCTGGTCCTCTCATGCCTGGCGCCCCAGGAAGGCCTGGGAT-3'
Protein context (NP_000083.3, residues 1388-1408): RGPEGAMGLP[Gly1398Arg]MRGPSGPGCK